The following is an entry in ClinVar:

ClinVar aggregate classification (germline): Uncertain significance (1 of 4 stars; one submission).

Submission:

Labcorp Genetics (formerly Invitae), Labcorp
Classification: Uncertain significance. Last evaluated: 2022-10-24. Review status: criteria provided, single submitter. Criteria: Invitae Variant Classification Sherloc (09022015). Collection method: clinical testing. Allele origin: germline.
Comment: This sequence change replaces glycine, which is neutral and non-polar, with arginine, which is basic and polar, at codon 2118 of the ADGRV1 protein (p.Gly2118Arg). This variant is not present in population databases (gnomAD no frequency). This variant has not been reported in the literature in individuals affected with ADGRV1-related conditions. Advanced modeling of protein sequence and biophysical properties (such as structural, functional, and spatial information, amino acid conservation, physicochemical variation, residue mobility, and thermodynamic stability) has been performed at Invitae for this missense variant, however the output from this modeling did not meet the statistical confidence thresholds required to predict the impact of this variant on ADGRV1 protein function. Algorithms developed to predict the effect of sequence changes on RNA splicing suggest that this variant may disrupt the consensus splice site. In summary, the available evidence is currently insufficient to determine the role of this variant in disease. Therefore, it has been classified as a Variant of Uncertain Significance.

NM_032119.4(ADGRV1):c.6352G>A (p.Gly2118Arg)

Gene: ADGRV1 (adhesion G protein-coupled receptor V1; plus strand). Cytogenetic location: 5q14.3.
Variant type: single nucleotide variant.
Coding change: c.6352G>A on transcript NM_032119.4 (MANE Select); coding-DNA position 6352, G replaced by A.
Protein change: p.Gly2118Arg; replaces glycine 2118 with arginine.
Molecular consequence: missense variant. On other transcripts: non-coding transcript variant (1).
Genome position (GRCh38, 1-based): chr5:90,685,857, G>A. VCF-style: chr5-90685857-G-A. GRCh37 (hg19) VCF-style: chr5-89981674-G-A.
Other names: short protein forms G2118R.
Identifiers: ClinVar variation 2005885 (VCV002005885.4), dbSNP rs1745556537, ClinGen allele CA360363340.
Genomic context (GRCh38, chr5:90,685,857, plus strand): 5'-CTTGGGCCTAAGGTAGAAACTATTGCGCAACTAATTATCATTGCCAATGATGATGCATTT[G>A]GAACTCTTCAGCTCTCAGCACCAATTGTCCGAGTGGCAGAAAATCATGTTGGACCCATTA-3'
Protein context (NP_115495.3, residues 2108-2128): LIIIANDDAF[Gly2118Arg]TLQLSAPIVR